The following is an entry in ClinVar:

NM_001267550.2(TTN):c.2494-271C>T

Gene: TTN (titin; minus strand). Cytogenetic location: 2q31.2.
Variant type: single nucleotide variant.
Coding change: c.2494-271C>T on transcript NM_001267550.2 (MANE Select); 271 bases into the intron before coding-DNA position 2494, C replaced by T.
Molecular consequence: intron variant.
Genome position (GRCh38, 1-based): chr2:178,784,622, G>A on the plus strand (C>T on the coding strand, the complement: TTN is on the minus strand). VCF-style: chr2-178784622-G-A. GRCh37 (hg19) VCF-style: chr2-179649349-G-A.
Other names: c.2494-271C>T (NM_001256850.1, NM_133378.4, NM_133379.5); c.2356-271C>T (NM_003319.4, NM_133437.4, NM_133432.3).
Identifiers: ClinVar variation 680817 (VCV000680817.1), dbSNP rs6729746, ClinGen allele CA11260892.

ClinVar aggregate classification (germline): Benign (1 of 4 stars; one submission).

Allele frequency attached by ClinVar (database versions not stated): 1000 Genomes Project 0.20387; 1000 Genomes Project 30x 0.20628; TOPMed 0.29387; gnomAD 0.31956 and 0.32607.
gnomAD v4.1: 48,774 of 151,956 alleles (32%); highest among the groups gnomAD compares: Middle Eastern, 43%; 8,847 homozygotes.

Submission:

GeneDx
Classification: Benign. Last evaluated: 2018-06-14. Review status: criteria provided, single submitter. Criteria: GeneDx Variant Classification (06012015). Collection method: clinical testing. Allele origin: germline. Affected: yes.
Comment: This variant is considered likely benign or benign based on one or more of the following criteria: it is a conservative change, it occurs at a poorly conserved position in the protein, it is predicted to be benign by multiple in silico algorithms, and/or has population frequency not consistent with disease.